The following is an entry in ClinVar:

ClinVar aggregate classification (germline): Uncertain significance (1 of 4 stars; one submission).

Conditions:
Cystinuria (CSNU). Also called: Cystinuria, non-type I; CYSTINURIA, TYPE I; CYSTINURIA, TYPE II; CYSTINURIA, TYPE III. Identifiers: Orphanet 214, MedGen C0010691, MONDO:0009067, OMIM 220100, HP:0003131.

Allele frequency attached by ClinVar (database versions not stated): TOPMed 0.00002.
gnomAD v4.1: 1 of 1,614,098 alleles (0.000062%); highest among the groups gnomAD compares: Non-Finnish European, 0.000085%; no homozygotes.

Submission:

Labcorp Genetics (formerly Invitae), Labcorp
Classification: Uncertain significance for Cystinuria. Last evaluated: 2023-06-09. Review status: criteria provided, single submitter. Criteria: Invitae Variant Classification Sherloc (09022015). Collection method: clinical testing. Allele origin: germline.
Comment: This missense change has been observed in individual(s) with cystinuria (PMID: 23532419). In at least one individual the data is consistent with being in trans (on the opposite chromosome) from a pathogenic variant. Advanced modeling of protein sequence and biophysical properties (such as structural, functional, and spatial information, amino acid conservation, physicochemical variation, residue mobility, and thermodynamic stability) has been performed at Invitae for this missense variant, however the output from this modeling did not meet the statistical confidence thresholds required to predict the impact of this variant on SLC3A1 protein function. This variant is present in population databases (no rsID available, gnomAD 0.0009%). This sequence change replaces cysteine, which is neutral and slightly polar, with arginine, which is basic and polar, at codon 242 of the SLC3A1 protein (p.Cys242Arg). In summary, the available evidence is currently insufficient to determine the role of this variant in disease. Therefore, it has been classified as a Variant of Uncertain Significance.

Literature cited by the submitters: PubMed 23532419.

NM_000341.4(SLC3A1):c.724T>C (p.Cys242Arg)

Gene: SLC3A1 (solute carrier family 3 member 1; plus strand). Cytogenetic location: 2p21.
Variant type: single nucleotide variant.
Coding change: c.724T>C on transcript NM_000341.4 (MANE Select); coding-DNA position 724, T replaced by C.
Protein change: p.Cys242Arg; replaces cysteine 242 with arginine.
Molecular consequence: missense variant.
Genome position (GRCh38, 1-based): chr2:44,281,500, T>C. VCF-style: chr2-44281500-T-C. GRCh37 (hg19) VCF-style: chr2-44508639-T-C.
Other names: short protein forms C242R.
Identifiers: ClinVar variation 2734173 (VCV002734173.3), dbSNP rs1323168656, ClinGen allele CA346689269.
Genomic context (GRCh38, chr2:44,281,500, plus strand): 5'-TGGTTTCAATTGAGTCGGACACGGACAGGAAAATATACTGATTATTATATCTGGCATGAC[T>C]GTACCCATGAAAATGGCAAAACCATTCCACCCAACAACTGGGTAAGTATCAACCTGTCTG-3'
Protein context (NP_000332.2, residues 232-252): KYTDYYIWHD[Cys242Arg]THENGKTIPP